The following is an entry in ClinVar:

NM_000198.4(HSD3B2):c.180del (p.Asp61fs)

Gene: HSD3B2 (hydroxy-delta-5-steroid dehydrogenase, 3 beta- and steroid delta-isomerase 2; plus strand). Cytogenetic location: 1p12.
Variant type: Deletion.
Coding change: c.180del on transcript NM_000198.4 (MANE Select); coding-DNA position 180, one base deleted (A; older notation c.180delA).
Protein change: p.Asp61fs; shifts the reading frame from aspartic acid 61.
Molecular consequence: frameshift variant.
Genome position (GRCh38, 1-based): chr1:119,419,455, A deleted. VCF-style (leftmost placement, unchanged base first): chr1-119419454-GA-G. GRCh37 (hg19) VCF-style: chr1-119962077-GA-G.
Other names: c.180del, p.Asp61fs (NM_001166120.2); short protein forms D61fs.
Identifiers: ClinVar variation 2731762 (VCV002731762.3), dbSNP rs2526383039, ClinGen allele CA2647378318.

ClinVar aggregate classification (germline): Pathogenic (1 of 4 stars; one submission).

Allele frequency attached by ClinVar (database versions not stated): gnomAD exomes below 0.00001.

Submission:

Labcorp Genetics (formerly Invitae), Labcorp
Classification: Pathogenic. Last evaluated: 2023-06-28. Review status: criteria provided, single submitter. Criteria: Invitae Variant Classification Sherloc (09022015). Collection method: clinical testing. Allele origin: germline.
Comment: This variant has not been reported in the literature in individuals affected with HSD3B2-related conditions. This variant is not present in population databases (gnomAD no frequency). This sequence change creates a premature translational stop signal (p.Asp61Thrfs*8) in the HSD3B2 gene. It is expected to result in an absent or disrupted protein product. Loss-of-function variants in HSD3B2 are known to be pathogenic (PMID: 11196452). For these reasons, this variant has been classified as Pathogenic.

Literature cited by the submitters: PubMed 11196452.